The following is an entry in ClinVar:

ClinVar aggregate classification (germline): Uncertain significance. Review status: criteria provided, single submitter (1 of 4 stars). 2 submissions from 1 submitter: Uncertain significance (2). Last evaluated 2022-07-26.

Conditions:
Intellectual disability, CASK-related, X-linked. Identifiers: MedGen CN043158.
Intellectual developmental disorder, X-linked, syndromic, Hedera type. Also called: Syndromic X-linked intellectual disability Hedera type. Identifiers: Orphanet 93952, MedGen C1845543, MONDO:0010319, OMIM 300423.

Submissions (2):

Labcorp Genetics (formerly Invitae), Labcorp
Classification: Uncertain significance for Intellectual disability, CASK-related, X-linked. Last evaluated: 2022-07-26. Review status: criteria provided, single submitter. Criteria: Invitae Variant Classification Sherloc (09022015). Collection method: clinical testing. Allele origin: germline.
Comment: A copy number gain of the genomic region encompassing the full coding sequence of the CASK gene has been identified. The boundaries of this event are unknown as they extend beyond the assayed region for this gene and therefore may encompass additional genes. As the precise location of this event is unknown, it may be in tandem or it may be located elsewhere in the genome. A similar copy number variant has been observed in individual(s) with microcephaly with pontine and cerebellar hypoplasia syndrome (PMID: 23901204). In summary, the available evidence is currently insufficient to determine the role of this variant in disease. Therefore, it has been classified as a Variant of Uncertain Significance.

Labcorp Genetics (formerly Invitae), Labcorp
Classification: Uncertain significance for Mental retardation, X-linked, syndromic, Hedera type. Last evaluated: 2019-11-20. Review status: criteria provided, single submitter. Criteria: Invitae Variant Classification Sherloc (09022015). Collection method: clinical testing. Allele origin: germline.
Comment: A gross duplication of the genomic region encompassing the full coding sequence of the ATP6AP2 gene has been identified. The boundaries of this event are unknown as the duplication extends beyond the assayed region for this gene and therefore may encompass additional genes. As the precise location of this duplication is unknown, it may be in tandem or it may be located elsewhere in the genome. This variant has not been reported in the literature in individuals with a ATP6AP2-related disease. In summary, the available evidence is currently insufficient to determine the role of this variant in disease. Therefore, it has been classified as a Variant of Uncertain Significance.

Literature cited by the submitters: PubMed 23901204.

NC_000023.10:g.(?_39911342)_(41782261_?)dup

Genes: ATP6AP2 (ATPase H+ transporting accessory protein 2; plus strand), BCOR (BCL6 corepressor; minus strand), CASK (calcium/calmodulin dependent serine protein kinase; minus strand), CXorf38 (chromosome X open reading frame 38; minus strand), DDX3X (DEAD-box helicase 3 X-linked; plus strand) and 6 more. Cytogenetic location: Xp11.4.
Variant type: Duplication.
Identifiers: ClinVar variation 533692 (VCV000533692.4).